The following is an entry in ClinVar:

NM_000048.4(ASL):c.978+15_978+17delinsAA

Gene: ASL (argininosuccinate lyase; plus strand). Cytogenetic location: 7q11.21.
Variant type: Indel.
Coding change: c.978+15_978+17delinsAA on transcript NM_000048.4 (MANE Select); bases 15 to 17 of the intron after coding-DNA position 978, GAG replaced by AA.
Molecular consequence: intron variant.
Genome position (GRCh38, 1-based): chr7:66,089,350-66,089,352, GAG replaced by AA. VCF-style: chr7-66089350-GAG-AA. GRCh37 (hg19) VCF-style: chr7-65554337-GAG-AA.
Other names: c.978+15_978+17delinsAA (NM_001024943.2); c.918+175_918+177delinsAA (NM_001024944.2); c.900+15_900+17delinsAA (NM_001024946.2).
Identifiers: ClinVar variation 421941 (VCV000421941.1), dbSNP rs1064795459, ClinGen allele CA16618550.
Genomic context (GRCh38, chr7:66,089,350, plus strand): 5'-GATGACCCTCAAGGGACTTCCCAGCACCTACAACAAAGACTTACAGGTGCGAGGCCGGGG[GAG>AA]GCCTGGCTAGTACGTGCCAGTTCTCAGGGCTCTGGCACACTCAGGCAGGGCCCCACCCCG-3'

ClinVar aggregate classification (germline): Likely benign (1 of 4 stars; one submission).

Submission:

GeneDx
Classification: Likely benign. Last evaluated: 2017-10-26. Review status: criteria provided, single submitter. Criteria: GeneDx Variant Classification (06012015). Collection method: clinical testing. Allele origin: germline. Affected: yes.
Comment: This variant is considered likely benign or benign based on one or more of the following criteria: it is a conservative change, it occurs at a poorly conserved position in the protein, it is predicted to be benign by multiple in silico algorithms, and/or has population frequency not consistent with disease.